The following is an entry in ClinVar:

NM_152564.5(VPS13B):c.8362-1G>C

Gene: VPS13B (vacuolar protein sorting 13 homolog B; plus strand). Cytogenetic location: 8q22.2.
Variant type: single nucleotide variant.
Coding change: c.8362-1G>C on transcript NM_152564.5 (MANE Select); the canonical splice acceptor site of the intron before coding-DNA position 8362, G replaced by C.
Molecular consequence: splice acceptor variant.
Genome position (GRCh38, 1-based): chr8:99,818,450, G>C. VCF-style: chr8-99818450-G-C. GRCh37 (hg19) VCF-style: chr8-100830678-G-C.
Other names: c.8437-1G>C (NM_017890.5).
Identifiers: ClinVar variation 2751267 (VCV002751267.3), dbSNP rs2492008984, ClinGen allele CA371773537.

ClinVar aggregate classification (germline): Likely pathogenic (1 of 4 stars; one submission).

Conditions:
Cohen syndrome (COH1). Also called: Cutis verticis gyrata, retinitis pigmentosa, and sensorineural deafness; PEPPER SYNDROME. Identifiers: Orphanet 193, MedGen C0265223, MONDO:0008999, OMIM 216550.

Submission:

Labcorp Genetics (formerly Invitae), Labcorp
Classification: Likely pathogenic for Cohen syndrome. Last evaluated: 2023-08-08. Review status: criteria provided, single submitter. Criteria: Invitae Variant Classification Sherloc (09022015). Collection method: clinical testing. Allele origin: germline.
Comment: This sequence change affects an acceptor splice site in intron 45 of the VPS13B gene. It is expected to disrupt RNA splicing. Variants that disrupt the donor or acceptor splice site typically lead to a loss of protein function (PMID: 16199547), and loss-of-function variants in VPS13B are known to be pathogenic (PMID: 15141358, 16648375, 20461111). This variant is not present in population databases (gnomAD no frequency). This variant has not been reported in the literature in individuals affected with VPS13B-related conditions. Algorithms developed to predict the effect of sequence changes on RNA splicing suggest that this variant may disrupt the consensus splice site. In summary, the currently available evidence indicates that the variant is pathogenic, but additional data are needed to prove that conclusively. Therefore, this variant has been classified as Likely Pathogenic.

Literature cited by the submitters: PubMed 16199547; PubMed 15141358; PubMed 16648375; PubMed 20461111.